The following is an entry in ClinVar:

ClinVar aggregate classification (germline): Uncertain significance (1 of 4 stars; one submission).

Allele frequency attached by ClinVar (database versions not stated): gnomAD exomes below 0.00001; TOPMed below 0.00001; gnomAD 0.00001.
gnomAD v4.1: 3 of 1,613,902 alleles (0.00019%); highest among the groups gnomAD compares: Non-Finnish European, 0.00017%; no homozygotes.

Submission:

Labcorp Genetics (formerly Invitae), Labcorp
Classification: Uncertain significance. Last evaluated: 2023-09-15. Review status: criteria provided, single submitter. Criteria: Invitae Variant Classification Sherloc (09022015). Collection method: clinical testing. Allele origin: germline.
Comment: In summary, the available evidence is currently insufficient to determine the role of this variant in disease. Therefore, it has been classified as a Variant of Uncertain Significance. Algorithms developed to predict the effect of missense changes on protein structure and function output the following: SIFT: "Not Available"; PolyPhen-2: "Benign"; Align-GVGD: "Not Available". The serine amino acid residue is found in multiple mammalian species, which suggests that this missense change does not adversely affect protein function. This variant has not been reported in the literature in individuals affected with POLG2-related conditions. This variant is not present in population databases (gnomAD no frequency). This sequence change replaces asparagine, which is neutral and polar, with serine, which is neutral and polar, at codon 287 of the POLG2 protein (p.Asn287Ser).

NM_007215.4(POLG2):c.860A>G (p.Asn287Ser)

Genes: POLG2 (DNA polymerase gamma 2, accessory subunit; minus strand), MILR1 (mast cell immunoglobulin like receptor 1; plus strand). Cytogenetic location: 17q23.3.
Variant type: single nucleotide variant.
Coding change: c.860A>G on transcript NM_007215.4 (MANE Select); coding-DNA position 860, A replaced by G.
Protein change: p.Asn287Ser; replaces asparagine 287 with serine.
Molecular consequence: missense variant.
Genome position (GRCh38, 1-based): chr17:64,490,905, T>C on the plus strand (A>G on the coding strand, the complement: POLG2 is on the minus strand). VCF-style: chr17-64490905-T-C. GRCh37 (hg19) VCF-style: chr17-62487022-T-C.
Other names: short protein forms N287S.
Identifiers: ClinVar variation 3002558 (VCV003002558.3), dbSNP rs1260812995, ClinGen allele CA400638636.